The following is an entry in ClinVar:

ClinVar aggregate classification (germline): Pathogenic. Review status: criteria provided, multiple submitters, no conflicts (2 of 4 stars). 5 submissions from 5 submitters: Pathogenic (5). Last evaluated 2025-12-01.

Conditions:
Morquio syndrome. Also called: Mucopolysaccharidosis, Type IV; MPS IV; Mucopolysaccharidosis type 4; Eccentrochondrodysplasia. Identifiers: Orphanet 582, MedGen C0026707, MONDO:0018938.
Inborn genetic diseases. Identifiers: MedGen C0950123, MeSH D030342.
Mucopolysaccharidosis, MPS-IV-A (MPS4A). Also called: Mucopolysaccharidosis type IV A; Mucopolysaccharidosis Type IVA; Morquio syndrome A, mild; MORQUIO SYNDROME A; MPS IVA; mucopolysaccharidosis type 4A. Identifiers: Orphanet 309297, Orphanet 582, MedGen C0086651, MONDO:0009659, OMIM 253000.

Submissions (5):

Labcorp Genetics (formerly Invitae), Labcorp
Classification: Pathogenic for Mucopolysaccharidosis, MPS-IV-A. Last evaluated: 2025-12-01. Review status: criteria provided, single submitter. Criteria: Invitae Variant Classification Sherloc (09022015). Collection method: clinical testing. Allele origin: germline.
Comment: This sequence change creates a premature translational stop signal (p.Pro381Leufs*10) in the GALNS gene. It is expected to result in an absent or disrupted protein product. Loss-of-function variants in GALNS are known to be pathogenic (PMID: 12442278). This variant is present in population databases (rs746086649, gnomAD 0.01%). This premature translational stop signal has been observed in individual(s) with mucopolysaccharidosis type IVA (PMID: 22521955). ClinVar contains an entry for this variant (Variation ID: 1048228). For these reasons, this variant has been classified as Pathogenic.

Ambry Genetics
Classification: Pathogenic for Inborn genetic diseases. Last evaluated: 2025-07-22. Review status: criteria provided, single submitter. Criteria: Ambry Variant Classification Scheme 2023. Collection method: clinical testing. Allele origin: germline.
Comment: The c.1142delC (p.P381Lfs*10) alteration, located in exon 11 (coding exon 11) of the GALNS gene, consists of a deletion of one nucleotide at position 1142, causing a translational frameshift with a predicted alternate stop codon after 10 amino acids. This alteration is expected to result in loss of function by premature protein truncation or nonsense-mediated mRNA decay. Based on data from gnomAD, this allele has an overall frequency of 0.002% (4/248822) total alleles studied. The highest observed frequency was 0.012% (4/34510) of Latino alleles. This variant has been identified in the homozygous state and/or in conjunction with other GALNS variant(s) in individual(s) with features consistent with Mucopolysaccharidosis type IVA (Pajares, 2012; Morrone, 2014). Based on the available evidence, this alteration is classified as pathogenic.

Revvity Omics, Revvity
Classification: Pathogenic for Mucopolysaccharidosis, MPS-IV-A. Last evaluated: 2023-04-05. Review status: criteria provided, single submitter. Criteria: ACMG Guidelines, 2015. Collection method: clinical testing. Allele origin: germline.

Women's Health and Genetics/Laboratory Corporation of America, LabCorp
Classification: Pathogenic for Morquio syndrome. Last evaluated: 2022-03-31. Review status: criteria provided, single submitter. Criteria: LabCorp Variant Classification Summary - May 2015. Collection method: clinical testing. Allele origin: germline.
Comment: Variant summary: GALNS c.1142delC (p.Pro381LeufsX10) results in a premature termination codon, predicted to cause a truncation of the encoded protein or absence of the protein due to nonsense mediated decay, which are commonly known mechanisms for disease. The variant allele was found at a frequency of 1.6e-05 in 248822 control chromosomes. c.1142delC has been reported in the literature in individuals affected with Mucopolysaccharidosis Type IVA (Morquio Syndrome A; eg. Pajares_2012, Morrone_2014). To our knowledge, no experimental evidence demonstrating an impact on protein function has been reported. Two clinical diagnostic laboratories have submitted clinical-significance assessments for this variant to ClinVar after 2014 without evidence for independent evaluation. All laboratories classified the variant as pathogenic. Based on the evidence outlined above, the variant was classified as pathogenic.

Laboratory of Diagnosis and Therapy of Lysosomal Disorders, University of Padova
Classification: Pathogenic for Mucopolysaccharidosis, MPS-IV-A. Last evaluated: 2021-02-01. Review status: criteria provided, single submitter. Criteria: ACMG Guidelines, 2015. Collection method: research. Allele origin: germline. Affected: yes.
Comment: Frameshift variant (PVS1_very strong); in vivo functional studies supportive of a damaging effect on the gene product (low to null enzymatic activity in homozygotes; PS3_supporting); the prevalence of the variant in affected individuals is significantly increased compared with the prevalence in controls (PS4_strong); very low frequency in gnomAD v2.1.1 (PM2_moderate)

Literature cited by the submitters: PubMed 12442278 (cited by Labcorp Genetics (formerly Invitae), Labcorp); PubMed 22521955 (cited by 4 submitters); PubMed 24726177 (cited by 3 submitters); PubMed 34387910 (cited by Laboratory of Diagnosis and Therapy of Lysosomal Disorders, University of Padova).

NM_000512.5(GALNS):c.1142del (p.Pro381fs)

Gene: GALNS (galactosamine (N-acetyl)-6-sulfatase; minus strand). Cytogenetic location: 16q24.3.
Variant type: Deletion.
Coding change: c.1142del on transcript NM_000512.5 (MANE Select); coding-DNA position 1142, one base deleted (C; older notation c.1142delC).
Protein change: p.Pro381fs; shifts the reading frame from proline 381.
Molecular consequence: frameshift variant.
Genome position (GRCh38, 1-based): chr16:88,824,867, G deleted on the plus strand (C on the coding strand, the reverse complement: GALNS is on the minus strand); the first of 2 consecutive G bases (chr16:88,824,867-88,824,868); deleting either gives the same sequence. VCF-style (leftmost placement, unchanged base first): chr16-88824866-AG-A. GRCh37 (hg19) VCF-style: chr16-88891274-AG-A.
Other names: c.587del, p.Pro196fs (NM_001323543.2); c.1160del, p.Pro387fs (NM_001323544.2); c.1142delC (NM_000512.4); short protein forms P196fs, P381fs, P387fs.
Identifiers: ClinVar variation 1048228 (VCV001048228.13), dbSNP rs746086649, ClinGen allele CA8234789.